The following is an entry in ClinVar:

NM_000396.4(CTSK):c.235G>A (p.Gly79Arg)

Gene: CTSK (cathepsin K; minus strand). Cytogenetic location: 1q21.3.
Variant type: single nucleotide variant.
Coding change: c.235G>A on transcript NM_000396.4 (MANE Select); coding-DNA position 235, G replaced by A.
Protein change: p.Gly79Arg; replaces glycine 79 with arginine.
Molecular consequence: missense variant.
Genome position (GRCh38, 1-based): chr1:150,806,110, C>T on the plus strand (G>A on the coding strand, the complement: CTSK is on the minus strand). VCF-style: chr1-150806110-C-T. GRCh37 (hg19) VCF-style: chr1-150778586-C-T.
Other names: short protein forms G79R.
Identifiers: ClinVar variation 1683244 (VCV001683244.7), dbSNP rs750609110, ClinGen allele CA1080553.

ClinVar aggregate classification (germline): Conflicting classifications of pathogenicity. Review status: criteria provided, conflicting classifications (1 of 4 stars). 2 submissions from 2 submitters: Likely pathogenic (1); Uncertain significance (1). Last evaluated 2025-08-22.

Allele frequency attached by ClinVar (database versions not stated): gnomAD exomes below 0.00001 and 0.00001; TOPMed below 0.00001; ExAC 0.00001.
gnomAD v4.1: 7 of 1,614,072 alleles (0.00043%); highest among the groups gnomAD compares: Non-Finnish European, 0.00059%; no homozygotes.

Submissions (2):

Women's Health and Genetics/Laboratory Corporation of America, LabCorp
Classification: Uncertain significance. Last evaluated: 2025-08-22. Review status: criteria provided, single submitter. Criteria: LabCorp Variant Classification Summary - May 2015. Collection method: clinical testing. Allele origin: germline.
Comment: Variant summary: CTSK c.235G>A (p.Gly79Arg) results in a non-conservative amino acid change located in the Cathepsin propeptide inhibitor domain (I29) (IPR013201) of the encoded protein sequence. Algorithms developed to predict the effect of missense changes on protein structure and function all suggest that this variant is likely to be disruptive. The variant allele was found at a frequency of 8e-06 in 251314 control chromosomes.c.235G>A has been reported in the literature as a compound heterozygous genotype in at-least one individual affected with Pyknodysostosis (example, Fratzl-Zelman_2004) who has since been cited by numerous subsequent authors. A different variant affecting the same codon has been classified as pathogenic by our lab (c.236G>A, p.Gly79Glu), supporting the critical relevance of codon 79 to CTSK protein function. To our knowledge, no experimental evidence demonstrating an impact on protein function has been reported. The following publications have been ascertained in the context of this evaluation (PMID: 27558267, 31237352, 33963797, 24767306, 17397052, 15070910, 21569238). ClinVar contains an entry for this variant (Variation ID: 1683244). Based on the evidence outlined above, the variant was classified as VUS-possibly pathogenic.

Labcorp Genetics (formerly Invitae), Labcorp
Classification: Likely pathogenic. Last evaluated: 2023-08-21. Review status: criteria provided, single submitter. Criteria: Invitae Variant Classification Sherloc (09022015). Collection method: clinical testing. Allele origin: germline.
Comment: In summary, the currently available evidence indicates that the variant is pathogenic, but additional data are needed to prove that conclusively. Therefore, this variant has been classified as Likely Pathogenic. This variant disrupts the p.Gly79 amino acid residue in CTSK. Other variant(s) that disrupt this residue have been determined to be pathogenic (PMID: 10074491, 10491211, 33429075). This suggests that this residue is clinically significant, and that variants that disrupt this residue are likely to be disease-causing. Advanced modeling of protein sequence and biophysical properties (such as structural, functional, and spatial information, amino acid conservation, physicochemical variation, residue mobility, and thermodynamic stability) performed at Invitae indicates that this missense variant is expected to disrupt CTSK protein function. ClinVar contains an entry for this variant (Variation ID: 1683244). This missense change has been observed in individual(s) with pycnodysostosis (PMID: 15070910). This variant is present in population databases (rs750609110, gnomAD 0.002%). This sequence change replaces glycine, which is neutral and non-polar, with arginine, which is basic and polar, at codon 79 of the CTSK protein (p.Gly79Arg).

Literature cited by the submitters: PubMed 27558267 (cited by Women's Health and Genetics/Laboratory Corporation of America, LabCorp); PubMed 31237352 (cited by Women's Health and Genetics/Laboratory Corporation of America, LabCorp); PubMed 33963797 (cited by Women's Health and Genetics/Laboratory Corporation of America, LabCorp); PubMed 24767306 (cited by Women's Health and Genetics/Laboratory Corporation of America, LabCorp); PubMed 17397052 (cited by Women's Health and Genetics/Laboratory Corporation of America, LabCorp); PubMed 15070910 (cited by Women's Health and Genetics/Laboratory Corporation of America, LabCorp and Labcorp Genetics (formerly Invitae), Labcorp); PubMed 21569238 (cited by Women's Health and Genetics/Laboratory Corporation of America, LabCorp); PubMed 10074491 (cited by Labcorp Genetics (formerly Invitae), Labcorp); PubMed 10491211 (cited by Labcorp Genetics (formerly Invitae), Labcorp); PubMed 33429075 (cited by Labcorp Genetics (formerly Invitae), Labcorp).